The following is an entry in ClinVar:

ClinVar aggregate classification (germline): Uncertain significance (1 of 4 stars; one submission).

Conditions:
Emery-Dreifuss muscular dystrophy 5, autosomal dominant (EDMD5). Also called: EMERY-DREIFUSS MUSCULAR DYSTROPHY 5. Identifiers: Orphanet 261, MedGen C2751805, MONDO:0013072, OMIM 612999.

Allele frequency attached by ClinVar (database versions not stated): gnomAD below 0.00001 and 0.00001; gnomAD exomes 0.00001 and 0.00002; TOPMed 0.00001; ExAC 0.00002.

Submission:

Labcorp Genetics (formerly Invitae), Labcorp
Classification: Uncertain significance for Emery-Dreifuss muscular dystrophy 5, autosomal dominant. Last evaluated: 2022-08-15. Review status: criteria provided, single submitter. Criteria: Invitae Variant Classification Sherloc (09022015). Collection method: clinical testing. Allele origin: germline.
Comment: This variant is present in population databases (rs764379968, gnomAD 0.01%). In summary, the available evidence is currently insufficient to determine the role of this variant in disease. Therefore, it has been classified as a Variant of Uncertain Significance. Algorithms developed to predict the effect of missense changes on protein structure and function output the following: SIFT: "Tolerated"; PolyPhen-2: "Benign"; Align-GVGD: "Class C0". The histidine amino acid residue is found in multiple mammalian species, which suggests that this missense change does not adversely affect protein function. ClinVar contains an entry for this variant (Variation ID: 661949). This variant has not been reported in the literature in individuals affected with SYNE2-related conditions. This sequence change replaces arginine, which is basic and polar, with histidine, which is basic and polar, at codon 596 of the SYNE2 protein (p.Arg596His).

NM_182914.3(SYNE2):c.1787G>A (p.Arg596His)

Gene: SYNE2 (spectrin repeat containing nuclear envelope protein 2; plus strand). Cytogenetic location: 14q23.2.
Variant type: single nucleotide variant.
Coding change: c.1787G>A on transcript NM_182914.3 (MANE Select); coding-DNA position 1787, G replaced by A.
Protein change: p.Arg596His; replaces arginine 596 with histidine.
Molecular consequence: missense variant.
Genome position (GRCh38, 1-based): chr14:63,981,124, G>A. VCF-style: chr14-63981124-G-A. GRCh37 (hg19) VCF-style: chr14-64447842-G-A.
Other names: c.1787G>A, p.Arg596His (NM_015180.6); short protein forms R596H.
Identifiers: ClinVar variation 661949 (VCV000661949.10), dbSNP rs764379968, ClinGen allele CA7219519.
Genomic context (GRCh38, chr14:63,981,124, plus strand): 5'-ATGTGAAGTCCACTCTACAAAAAGTGCTGGCATGTTGGGCTACTTATGTGGAAAACCTTC[G>A]CTTACTAAGGGCTTGCTTTGAGGAGACAAAGAAGGAAGAAATTAAAGAGGTATTTGCAGT-3'
Protein context (NP_878918.2, residues 586-606): ACWATYVENL[Arg596His]LLRACFEETK